The following is an entry in ClinVar:

NM_015346.4(ZFYVE26):c.3523G>A (p.Asp1175Asn)

Gene: ZFYVE26 (zinc finger FYVE-type containing 26; minus strand). Cytogenetic location: 14q24.1.
Variant type: single nucleotide variant.
Coding change: c.3523G>A on transcript NM_015346.4 (MANE Select); coding-DNA position 3523, G replaced by A.
Protein change: p.Asp1175Asn; replaces aspartic acid 1175 with asparagine.
Molecular consequence: missense variant.
Genome position (GRCh38, 1-based): chr14:67,785,059, C>T on the plus strand (G>A on the coding strand, the complement: ZFYVE26 is on the minus strand). VCF-style: chr14-67785059-C-T. GRCh37 (hg19) VCF-style: chr14-68251776-C-T.
Other names: short protein forms D1175N.
Identifiers: ClinVar variation 2684006 (VCV002684006.1), dbSNP rs773400590, ClinGen allele CA7239982.
Genomic context (GRCh38, chr14:67,785,059, plus strand): 5'-TCCTTGCCCTGAACACTTGCAGGTCTGCCATGAATCTATTGCCTCTTTCTTGCTACCTAC[C>T]AGGCTCAGAGCTCAAACTTTGAAGGAGAACTGCAGCAAGGGTGCTGCAGTAACTGAAGAA-3'
Protein context (NP_056161.2, residues 1165-1185): VLLQSLSSEP[Asp1175Asn]HVEVKVGNPF

ClinVar aggregate classification (germline): Uncertain significance (1 of 4 stars; one submission).

Allele frequency attached by ClinVar (database versions not stated): ExAC 0.00002; gnomAD 0.00002.
gnomAD v4.1: 16 of 1,614,048 alleles (0.00099%); highest among the groups gnomAD compares: Non-Finnish European, 0.00042%; no homozygotes.

Submission:

Athena Diagnostics
Classification: Uncertain significance. Last evaluated: 2022-10-15. Review status: criteria provided, single submitter. Criteria: Athena Diagnostics Criteria. Collection method: clinical testing. Allele origin: unknown.
Comment: Available data are insufficient to determine the clinical significance of the variant at this time. The frequency of this variant in the general population is uninformative in assessment of its pathogenicity. This variant has been identified in at least one individual with clinical features associated with this gene. Computational tools yielded predictions that this variant may interfere with normal RNA splicing.